The following is an entry in ClinVar:

NM_012448.4(STAT5B):c.1498G>A (p.Asp500Asn)

Gene: STAT5B (signal transducer and activator of transcription 5B; minus strand). Cytogenetic location: 17q21.2.
Variant type: single nucleotide variant.
Coding change: c.1498G>A on transcript NM_012448.4 (MANE Select); coding-DNA position 1498, G replaced by A.
Protein change: p.Asp500Asn; replaces aspartic acid 500 with asparagine.
Molecular consequence: missense variant.
Genome position (GRCh38, 1-based): chr17:42,212,166, C>T on the plus strand (G>A on the coding strand, the complement: STAT5B is on the minus strand). VCF-style: chr17-42212166-C-T. GRCh37 (hg19) VCF-style: chr17-40364184-C-T.
Other names: short protein forms D500N.
Identifiers: ClinVar variation 1998042 (VCV001998042.4), dbSNP rs2508732735, ClinGen allele CA399579466.

ClinVar aggregate classification (germline): Uncertain significance (1 of 4 stars; one submission).

Conditions:
Growth hormone insensitivity with immune dysregulation 1, autosomal recessive. Also called: Laron syndrome with immunodeficiency; GROWTH HORMONE INSENSITIVITY SYNDROME WITH IMMUNE DYSREGULATION 1, AUTOSOMAL RECESSIVE; GROWTH HORMONE INSENSITIVITY DUE TO POSTRECEPTOR DEFECT; LARON SYNDROME DUE TO POSTRECEPTOR DEFECT. Identifiers: Orphanet 220465, MedGen C5435698, MONDO:0100211, OMIM 245590.

Submission:

Labcorp Genetics (formerly Invitae), Labcorp
Classification: Uncertain significance for Growth hormone insensitivity with immune dysregulation 1, autosomal recessive. Last evaluated: 2022-05-22. Review status: criteria provided, single submitter. Criteria: Invitae Variant Classification Sherloc (09022015). Collection method: clinical testing. Allele origin: germline.
Comment: In summary, the available evidence is currently insufficient to determine the role of this variant in disease. Therefore, it has been classified as a Variant of Uncertain Significance. Algorithms developed to predict the effect of sequence changes on RNA splicing suggest that this variant may create or strengthen a splice site. Algorithms developed to predict the effect of missense changes on protein structure and function are either unavailable or do not agree on the potential impact of this missense change (SIFT: "Deleterious"; PolyPhen-2: "Benign"; Align-GVGD: "Class C0"). This variant has not been reported in the literature in individuals affected with STAT5B-related conditions. This variant is not present in population databases (gnomAD no frequency). This sequence change replaces aspartic acid, which is acidic and polar, with asparagine, which is neutral and polar, at codon 500 of the STAT5B protein (p.Asp500Asn).